The following is an entry in ClinVar:

ClinVar aggregate classification (germline): Uncertain significance. Review status: criteria provided, multiple submitters, no conflicts (2 of 4 stars). 2 submissions from 2 submitters: Uncertain significance (2). Last evaluated 2023-05-01.

Conditions:
Cardiovascular phenotype. Identifiers: MedGen CN230736.

Allele frequency attached by ClinVar (database versions not stated): gnomAD exomes below 0.00001.
gnomAD v4.1: 2 of 1,613,574 alleles (0.00012%); highest among the groups gnomAD compares: Non-Finnish European, 0.00017%; no homozygotes.

Submissions (2):

CeGaT Center for Human Genetics Tuebingen
Classification: Uncertain significance. Last evaluated: 2023-05-01. Review status: criteria provided, single submitter. Criteria: CeGaT Center For Human Genetics Tuebingen Variant Classification Criteria Version 2. Collection method: clinical testing. Allele origin: germline. Affected: yes. Observed: 1 variant allele.
Comment: TTN: PM2

Ambry Genetics
Classification: Uncertain significance for Cardiovascular phenotype. Last evaluated: 2019-04-09. Review status: criteria provided, single submitter. Criteria: Ambry Variant Classification Scheme 2023. Collection method: clinical testing. Allele origin: germline.
Comment: The p.G17536A variant (also known as c.52607G>C), located in coding exon 153 of the TTN gene, results from a G to C substitution at nucleotide position 52607. The glycine at codon 17536 is replaced by alanine, an amino acid with similar properties. This variant (reported as p.G24033A, c.72098G>C) co-occurred with an MYBPC3 mutation in a individual from an HCM cohort (Mademont-Soler I et al. PLoS ONE, 2017 Aug;12:e0181465). This amino acid position is highly conserved in available vertebrate species. In addition, this alteration is predicted to be tolerated by in silico analysis. Since supporting evidence is limited at this time, the clinical significance of this alteration remains unclear.

Literature cited by the submitters: PubMed 28771489 (cited by Ambry Genetics).

NM_001267550.2(TTN):c.79802G>C (p.Gly26601Ala)

Genes: TTN (titin; minus strand), TTN-AS1 (TTN antisense RNA 1; plus strand). Cytogenetic location: 2q31.2.
Variant type: single nucleotide variant.
Coding change: c.79802G>C on transcript NM_001267550.2 (MANE Select); coding-DNA position 79802, G replaced by C.
Protein change: p.Gly26601Ala; replaces glycine 26601 with alanine.
Molecular consequence: missense variant.
Genome position (GRCh38, 1-based): chr2:178,566,330, C>G on the plus strand (G>C on the coding strand, the complement: TTN is on the minus strand). VCF-style: chr2-178566330-C-G. GRCh37 (hg19) VCF-style: chr2-179431057-C-G.
Other names: c.74879G>C, p.Gly24960Ala (NM_001256850.1); c.52607G>C, p.Gly17536Ala (NM_003319.4); c.72098G>C, p.Gly24033Ala (NM_133378.4); c.52982G>C, p.Gly17661Ala (NM_133432.3); c.53183G>C, p.Gly17728Ala (NM_133437.4); short protein forms G17661A, G24960A, G17728A, G26601A, G17536A, G24033A.
Identifiers: ClinVar variation 1746443 (VCV001746443.26), dbSNP rs2468280806, ClinGen allele CA349593661.
Genomic context (GRCh38, chr2:178,566,330, plus strand): 5'-GTTGGACGACCTTTGAATGGAATGTGAATTCTGGCAGATCCACCAGCTCTTACAACAATT[C>G]CTTTTCTTAATTCGGAGTCAAGGTCAAGTTCAGGTGCTTCAAGTTTATCTTCTGGTTTCA-3'
Protein context (NP_001254479.2, residues 26591-26611): ELDLDSELRK[Gly26601Ala]IVVRAGGSAR